The following is an entry in ClinVar:

ClinVar aggregate classification (germline): Uncertain significance (1 of 4 stars; one submission).

Submission:

Labcorp Genetics (formerly Invitae), Labcorp
Classification: Uncertain significance. Last evaluated: 2024-04-10. Review status: criteria provided, single submitter. Criteria: Invitae Variant Classification Sherloc (09022015). Collection method: clinical testing. Allele origin: germline.
Comment: This sequence change replaces alanine, which is neutral and non-polar, with threonine, which is neutral and polar, at codon 2613 of the SRCAP protein (p.Ala2613Thr). This variant is not present in population databases (gnomAD no frequency). This variant has not been reported in the literature in individuals affected with SRCAP-related conditions. ClinVar contains an entry for this variant (Variation ID: 1484671). Advanced modeling of protein sequence and biophysical properties (such as structural, functional, and spatial information, amino acid conservation, physicochemical variation, residue mobility, and thermodynamic stability) performed at Invitae indicates that this missense variant is not expected to disrupt SRCAP protein function with a negative predictive value of 80%. In summary, the available evidence is currently insufficient to determine the role of this variant in disease. Therefore, it has been classified as a Variant of Uncertain Significance.

NM_006662.3(SRCAP):c.7837G>A (p.Ala2613Thr)

Gene: SRCAP (Snf2 related CREBBP activator protein; plus strand). Cytogenetic location: 16p11.2.
Variant type: single nucleotide variant.
Coding change: c.7837G>A on transcript NM_006662.3 (MANE Select); coding-DNA position 7837, G replaced by A.
Protein change: p.Ala2613Thr; replaces alanine 2613 with threonine.
Molecular consequence: missense variant.
Genome position (GRCh38, 1-based): chr16:30,737,877, G>A. VCF-style: chr16-30737877-G-A. GRCh37 (hg19) VCF-style: chr16-30749198-G-A.
Other names: short protein forms A2613T.
Identifiers: ClinVar variation 1484671 (VCV001484671.8), dbSNP rs2151300402, ClinGen allele CA395634795.
Genomic context (GRCh38, chr16:30,737,877, plus strand): 5'-CTGCCTGTGTCAGAGAAGAACCTTTCTCTCACCCCTTCTGCACCCAGCCTGACCTTGGAG[G>A]CTGGCAGCATCCCCAATGGTCAAGAGCAGGAGGCACCAGATTCTGCTGAGGGGACCACCC-3'
Protein context (NP_006653.2, residues 2603-2623): TPSAPSLTLE[Ala2613Thr]GSIPNGQEQE